The following is an entry in ClinVar:

NM_005476.7(GNE):c.1807C>T (p.Leu603Phe)

Gene: GNE (glucosamine (UDP-N-acetyl)-2-epimerase/N-acetylmannosamine kinase; minus strand). Cytogenetic location: 9p13.3.
Variant type: single nucleotide variant.
Coding change: c.1807C>T on transcript NM_005476.7 (MANE Select); coding-DNA position 1807, C replaced by T.
Protein change: p.Leu603Phe; replaces leucine 603 with phenylalanine.
Molecular consequence: missense variant.
Genome position (GRCh38, 1-based): chr9:36,219,847, G>A on the plus strand (C>T on the coding strand, the complement: GNE is on the minus strand). VCF-style: chr9-36219847-G-A. GRCh37 (hg19) VCF-style: chr9-36219844-G-A.
Other names: c.1900C>T, p.Leu634Phe (NM_001128227.3); c.1585C>T, p.Leu529Phe (NM_001190383.3); c.1477C>T, p.Leu493Phe (NM_001190384.3); c.1630C>T, p.Leu544Phe (NM_001190388.2, NM_001374798.1); c.1654C>T, p.Leu552Phe (NM_001374797.1); short protein forms L603F, L634F, L493F, L529F, L552F, L544F.
Identifiers: ClinVar variation 283229 (VCV000283229.22), dbSNP rs372732220, ClinGen allele CA5056424.

ClinVar aggregate classification (germline): Conflicting classifications of pathogenicity. Review status: criteria provided, conflicting classifications (1 of 4 stars). 8 submissions from 8 submitters: Pathogenic (1); Likely pathogenic (4); Uncertain significance (2). 1 of the submissions does not count toward it. Last evaluated 2025-07-11.

Conditions:
GNE myopathy (NM). Also called: INCLUSION BODY MYOPATHY, HEREDITARY, AUTOSOMAL RECESSIVE; INCLUSION BODY MYOPATHY 2, AUTOSOMAL RECESSIVE; MYOPATHY, DISTAL, WITH OR WITHOUT RIMMED VACUOLES; IBM 2; Inclusion body myopathy autosomal recessive; Inclusion body myopathy quadriceps sparing. Identifiers: Orphanet 602, MedGen C1853926, MONDO:0011603, OMIM 605820.
Sialuria. Also called: Sialic Acid Storage Disease; SIALURIA, FRENCH TYPE. Identifiers: Orphanet 3166, MedGen C0342853, MONDO:0010028, OMIM 269921.

Allele frequency attached by ClinVar (database versions not stated): TOPMed below 0.00001; gnomAD 0.00001; gnomAD exomes 0.00001; ExAC 0.00002; ESP Exome Variant Server 0.00008.
gnomAD v4.1: 11 of 1,613,900 alleles (0.00068%); highest among the groups gnomAD compares: Non-Finnish European, 0.00068%; no homozygotes.

Submissions (8):

Myriad Genetics, Inc.
Classification: Likely pathogenic for GNE myopathy. Last evaluated: 2025-07-11. Review status: criteria provided, single submitter. Criteria: Myriad Autosomal Dominant, Autosomal Recessive and X-Linked Classification Criteria (2023). Collection method: clinical testing. Allele origin: unknown.
Comment: NM_001128227.2(GNE):c.1900C>T(L634F) is a missense variant classified as likely pathogenic in the context of GNE myopathy. L634F has been observed in cases with relevant disease (PMID: 24027297, 38544359, 32505938, 30564623). Relevant functional assessments of this variant are not available in the literature. L634F has been observed in referenced population frequency databases. In summary, NM_001128227.2(GNE):c.1900C>T(L634F) is a missense variant that has internal structural support for pathogenicity and has been observed more frequently in cases with the relevant disease than in healthy populations. Please note: this variant was assessed in the context of healthy population screening.

Natera, Inc.
Classification: Likely pathogenic for Nonaka myopathy. Last evaluated: 2025-06-30. Review status: criteria provided, single submitter. Criteria: Natera Variant Classification Schema (03/2026). Collection method: clinical testing. Allele origin: germline.
Comment: The c.1900C>T variant in GNE is a missense variant predicted to cause substitution of leucine to phenylalanine at amino acid 634. This variant is rare in the general population with a frequency below the threshold expected for the associated phenotype(s). This variant has been observed in one or more individuals affected with the associated recessive disease, as either homozygous or compound heterozygous with a second variant (PMID: 38544359, 32505938, 24027297). Computational prediction algorithms indicate this variant is likely to affect gene or protein function. Given the available evidence, this variant is classified as Likely Pathogenic.

Women's Health and Genetics/Laboratory Corporation of America, LabCorp
Classification: Likely pathogenic for GNE myopathy. Last evaluated: 2025-06-20. Review status: criteria provided, single submitter. Criteria: LabCorp Variant Classification Summary - May 2015. Collection method: clinical testing. Allele origin: germline.
Comment: Variant summary: GNE c.1900C>T (p.Leu634Phe) results in a non-conservative amino acid change in the encoded protein sequence. Algorithms developed to predict the effect of missense changes on protein structure and function all suggest that this variant is likely to be disruptive. The variant allele was found at a frequency of 8e-06 in 251450 control chromosomes. c.1900C>T has been reported in the literature in individuals affected with Inclusion Body Myopathy 2 (Mori-Yoshimura_2012, Cho_2014, Paul_2020). These data indicate that the variant may be associated with disease. To our knowledge, no experimental evidence demonstrating an impact on protein function has been reported. The following publications have been ascertained in the context of this evaluation (PMID: 22507750, 24027297, 32505938). ClinVar contains an entry for this variant (Variation ID: 283229). Based on the evidence outlined above, the variant was classified as likely pathogenic.

Labcorp Genetics (formerly Invitae), Labcorp
Classification: Pathogenic for Sialuria; GNE myopathy. Last evaluated: 2024-12-08. Review status: criteria provided, single submitter. Criteria: Invitae Variant Classification Sherloc (09022015). Collection method: clinical testing. Allele origin: germline.
Comment: This sequence change replaces leucine, which is neutral and non-polar, with phenylalanine, which is neutral and non-polar, at codon 634 of the GNE protein (p.Leu634Phe). This variant is present in population databases (rs372732220, gnomAD 0.002%). This missense change has been observed in individual(s) with GNE-related myopathy (PMID: 22507750, 24027297, 32505938). In at least one individual the data is consistent with being in trans (on the opposite chromosome) from a pathogenic variant. ClinVar contains an entry for this variant (Variation ID: 283229). Invitae Evidence Modeling of protein sequence and biophysical properties (such as structural, functional, and spatial information, amino acid conservation, physicochemical variation, residue mobility, and thermodynamic stability) has been performed for this missense variant. However, the output from this modeling did not meet the statistical confidence thresholds required to predict the impact of this variant on GNE protein function. For these reasons, this variant has been classified as Pathogenic.

Baylor Genetics
Classification: Likely pathogenic for GNE myopathy. Last evaluated: 2024-03-16. Review status: criteria provided, single submitter. Criteria: ACMG Guidelines, 2015. Collection method: clinical testing. Allele origin: unknown.

Revvity Omics, Revvity
Classification: Uncertain significance. Last evaluated: 2022-06-24. Review status: criteria provided, single submitter. Criteria: ACMG Guidelines, 2015. Collection method: clinical testing. Allele origin: germline.

Eurofins Ntd Llc (ga)
Classification: Uncertain significance. Last evaluated: 2015-09-15. Review status: criteria provided, single submitter. Criteria: EGL Classification Definitions 2015. Collection method: clinical testing. Allele origin: germline. Observed: 1 variant allele, 1 heterozygote.

Counsyl
Classification: Uncertain significance for GNE myopathy. Last evaluated: 2017-12-24. Review status: no assertion criteria provided. Collection method: clinical testing. Allele origin: unknown. Not counted in ClinVar's aggregate classification.

Literature cited by the submitters: PubMed 24027297 (cited by 5 submitters); PubMed 30564623 (cited by Myriad Genetics, Inc.); PubMed 32505938 (cited by 4 submitters); PubMed 38544359 (cited by Myriad Genetics, Inc. and Natera, Inc.); PubMed 22507750 (cited by Women's Health and Genetics/Laboratory Corporation of America, LabCorp and Labcorp Genetics (formerly Invitae), Labcorp).